The following is an entry in ClinVar:

ClinVar aggregate classification (germline): Uncertain significance (1 of 4 stars; one submission).

Submission:

Labcorp Genetics (formerly Invitae), Labcorp
Classification: Uncertain significance. Last evaluated: 2019-12-04. Review status: criteria provided, single submitter. Criteria: Invitae Variant Classification Sherloc (09022015). Collection method: clinical testing. Allele origin: germline.
Comment: This variant, c.959_964del, results in the deletion of 2 amino acid(s) of the HNRNPH2 protein (p.Glu320_Ile321del), but otherwise preserves the integrity of the reading frame. This variant is not present in population databases (ExAC no frequency). This variant has not been reported in the literature in individuals with HNRNPH2-related conditions. Experimental studies and prediction algorithms are not available or were not evaluated, and the functional significance of this variant is currently unknown. In summary, the available evidence is currently insufficient to determine the role of this variant in disease. Therefore, it has been classified as a Variant of Uncertain Significance.

NM_019597.5(HNRNPH2):c.959_964del (p.Glu320_Ile321del)

Genes: HNRNPH2 (heterogeneous nuclear ribonucleoprotein H2; plus strand), RPL36A-HNRNPH2 (RPL36A-HNRNPH2 readthrough; plus strand). Cytogenetic location: Xq22.1.
Variant type: Deletion.
Coding change: c.959_964del on transcript NM_019597.5 (MANE Select); coding-DNA positions 959 to 964, 6 bases deleted (AAATTG; older notation c.959_964delAAATTG).
Protein change: p.Glu320_Ile321del.
Molecular consequence: inframe deletion. On other transcripts: 3 prime UTR variant (2).
Genome position (GRCh38, 1-based): chrX:101,412,947-101,412,952, AAATTG deleted; deleting any 6 consecutive bases within chrX:101,412,943-101,412,952 gives the same sequence; the c. name uses the placement nearest the transcript's 3' end. VCF-style (leftmost placement, unchanged base first): chrX-101412942-TATTGAA-T. GRCh37 (hg19) VCF-style: chrX-100667930-TATTGAA-T.
Other names: c.*955_*960del (NM_001199973.2, NM_001199974.2); c.959_964del, p.Glu320_Ile321del (NM_001032393.3).
Identifiers: ClinVar variation 859491 (VCV000859491.9), dbSNP rs1928851367, ClinGen allele CA916082504.